The following is an entry in ClinVar:

NM_004606.5(TAF1):c.145T>C (p.Leu49=)

Gene: TAF1 (TATA-box binding protein associated factor 1; plus strand). Cytogenetic location: Xq13.1.
Variant type: single nucleotide variant.
Coding change: c.145T>C on transcript NM_004606.5 (MANE Select); coding-DNA position 145, T replaced by C.
Protein change: p.Leu49=; no amino-acid change (leucine 49 retained).
Molecular consequence: synonymous variant. On other transcripts: non-coding transcript variant (9).
Genome position (GRCh38, 1-based): chrX:71,367,523, T>C. VCF-style: chrX-71367523-T-C. GRCh37 (hg19) VCF-style: chrX-70587373-T-C.
Other names: c.145T>C, p.Leu49= (NM_001286074.2, NM_138923.4).
Identifiers: ClinVar variation 2660872 (VCV002660872.24), dbSNP rs2519984760, ClinGen allele CA516721570.

ClinVar aggregate classification (germline): Likely benign (1 of 4 stars; one submission).

Submission:

CeGaT Center for Human Genetics Tuebingen
Classification: Likely benign. Last evaluated: 2023-10-01. Review status: criteria provided, single submitter. Criteria: CeGaT Center For Human Genetics Tuebingen Variant Classification Criteria Version 2. Collection method: clinical testing. Allele origin: germline. Affected: yes. Observed: 1 variant allele.
Comment: TAF1: PM2:Supporting, BP4, BP7